The following is an entry in ClinVar:

NM_181523.3(PIK3R1):c.1928A>T (p.Asp643Val)

Gene: PIK3R1 (phosphoinositide-3-kinase regulatory subunit 1; plus strand). Cytogenetic location: 5q13.1.
Variant type: single nucleotide variant.
Coding change: c.1928A>T on transcript NM_181523.3 (MANE Select); coding-DNA position 1928, A replaced by T.
Protein change: p.Asp643Val; replaces aspartic acid 643 with valine.
Molecular consequence: missense variant.
Genome position (GRCh38, 1-based): chr5:68,296,284, A>T. VCF-style: chr5-68296284-A-T. GRCh37 (hg19) VCF-style: chr5-67592112-A-T.
Other names: c.839A>T, p.Asp280Val (NM_001242466.2); c.1118A>T, p.Asp373Val (NM_181504.4); c.1028A>T, p.Asp343Val (NM_181524.2); short protein forms D280V, D343V, D373V, D643V.
Identifiers: ClinVar variation 1001949 (VCV001001949.9), dbSNP rs1747710716, ClinGen allele CA359884463.

ClinVar aggregate classification (germline): Uncertain significance (1 of 4 stars; one submission).

Conditions:
Immunodeficiency 36 with lymphoproliferation. Also called: ACTIVATED PI3K-DELTA SYNDROME 2; Activated PI3K Delta Syndrome Type 2 (APDS2); Immunodeficiency 36. Identifiers: Orphanet 397596, Orphanet 693681, MedGen C4014934, MONDO:0014453, OMIM 616005.
Agammaglobulinemia 7, autosomal recessive (AGM7). Also called: AGAMMAGLOBULINEMIA, AUTOSOMAL RECESSIVE, DUE TO PIK3R1 DEFECT. Identifiers: MedGen C3554689, MONDO:0014083, OMIM 615214.
SHORT syndrome. Also called: SHORT STATURE, HYPEREXTENSIBILITY, HERNIA, OCULAR DEPRESSION, RIEGER ANOMALY, AND TEETHING DELAY; PIK3R1-Related SHORT Syndrome; LIPODYSTROPHY, PARTIAL, WITH RIEGER ANOMALY AND SHORT STATURE. Identifiers: Orphanet 3163, MedGen C0878684, MONDO:0010026, OMIM 269880.

Allele frequency attached by ClinVar (database versions not stated): gnomAD exomes below 0.00001; gnomAD 0.00001.
gnomAD v4.1: 5 of 1,614,102 alleles (0.00031%); highest among the groups gnomAD compares: African/African-American, 0.0013%; no homozygotes.

Submission:

Labcorp Genetics (formerly Invitae), Labcorp
Classification: Uncertain significance for SHORT syndrome; Immunodeficiency 36 with lymphoproliferation; Agammaglobulinemia 7, autosomal recessive. Last evaluated: 2024-08-20. Review status: criteria provided, single submitter. Criteria: Invitae Variant Classification Sherloc (09022015). Collection method: clinical testing. Allele origin: germline.
Comment: This sequence change replaces aspartic acid, which is acidic and polar, with valine, which is neutral and non-polar, at codon 643 of the PIK3R1 protein (p.Asp643Val). This variant is not present in population databases (gnomAD no frequency). This variant has not been reported in the literature in individuals affected with PIK3R1-related conditions. ClinVar contains an entry for this variant (Variation ID: 1001949). Invitae Evidence Modeling of protein sequence and biophysical properties (such as structural, functional, and spatial information, amino acid conservation, physicochemical variation, residue mobility, and thermodynamic stability) indicates that this missense variant is not expected to disrupt PIK3R1 protein function with a negative predictive value of 80%. In summary, the available evidence is currently insufficient to determine the role of this variant in disease. Therefore, it has been classified as a Variant of Uncertain Significance.